The following is an entry in ClinVar:

NM_007327.4(GRIN1):c.2343G>C (p.Glu781Asp)

Gene: GRIN1 (glutamate ionotropic receptor NMDA type subunit 1; plus strand). Cytogenetic location: 9q34.3.
Variant type: single nucleotide variant.
Coding change: c.2343G>C on transcript NM_007327.4 (MANE Select); coding-DNA position 2343, G replaced by C.
Protein change: p.Glu781Asp; replaces glutamic acid 781 with aspartic acid.
Molecular consequence: missense variant.
Genome position (GRCh38, 1-based): chr9:137,163,568, G>C. VCF-style: chr9-137163568-G-C. GRCh37 (hg19) VCF-style: chr9-140058020-G-C.
Other names: c.2343G>C, p.Glu781Asp (NM_000832.7, NM_021569.4); c.2406G>C, p.Glu802Asp (NM_001185090.2, NM_001185091.2, NM_001437330.1 and 1 more transcripts); short protein forms E781D, E802D.
Identifiers: ClinVar variation 5020264 (VCV005020264.1).
Genomic context (GRCh38, chr9:137,163,568, plus strand): 5'-TTCCCGTCCTGGGCCCCGCCTCACTGCAGGCTCACTTGTTCCCACCGCCAGGTCCCACGA[G>C]AATGGCTTCATGGAAGACCTGGACAAGACGTGGGTTCGGTATCAGGAATGTGACTCGCGC-3'
Protein context (NP_015566.1, residues 771-791): NVSLSILKSH[Glu781Asp]NGFMEDLDKT

ClinVar aggregate classification (germline): Uncertain significance (1 of 4 stars; one submission).

Submission:

Dasa
Classification: Uncertain significance. Last evaluated: 2026-07-03. Review status: criteria provided, single submitter. Criteria: DASA Assertion Criteria. Collection method: clinical testing. Allele origin: germline.
Comment: NM_007327.4(GRIN1):c.2343G>C (p.Glu781Asp) is a missense variant that results in the substitution of glutamic acid with aspartic acid. This variant is rare in population databases. The currently available literature and clinical evidence are not sufficient to establish a definitive association between this variant and the reported condition. Therefore, this variant is classified as a variant of uncertain significance.